The following is an entry in ClinVar:

ClinVar aggregate classification (germline): Uncertain significance (1 of 4 stars; one submission).

Conditions:
Developmental and epileptic encephalopathy. Identifiers: MedGen C5779964, MONDO:0100620.

Submission:

Labcorp Genetics (formerly Invitae), Labcorp
Classification: Uncertain significance for Early-infantile DEE. Last evaluated: 2021-11-06. Review status: criteria provided, single submitter. Criteria: Invitae Variant Classification Sherloc (09022015). Collection method: clinical testing. Allele origin: germline.
Comment: Experimental studies and prediction algorithms are not available or were not evaluated, and the functional significance of this variant is currently unknown. This variant has not been reported in the literature in individuals affected with ARHGEF15-related conditions. This variant is a gross deletion of the genomic region encompassing exon(s) 16 of the ARHGEF15 gene, which includes the termination codon. This deletion extends beyond the assayed region for this gene and therefore may encompass additional genes. While this deletion is not anticipated to lead to nonsense mediated decay, it is expected to alter mRNA translation or result in a truncated protein product. In summary, the available evidence is currently insufficient to determine the role of this variant in disease. Therefore, it has been classified as a Variant of Uncertain Significance.

NC_000017.10:g.(?_8224140)_(8224311_?)del

Gene: ARHGEF15 (Rho guanine nucleotide exchange factor 15; plus strand). Cytogenetic location: 17p13.1.
Variant type: Deletion.
Identifiers: ClinVar variation 2427515 (VCV002427515.4).